The following is an entry in ClinVar:

NM_182493.3(MYLK3):c.470C>A (p.Pro157His)

Gene: MYLK3 (myosin light chain kinase 3; minus strand). Cytogenetic location: 16q11.2.
Variant type: single nucleotide variant.
Coding change: c.470C>A on transcript NM_182493.3 (MANE Select); coding-DNA position 470, C replaced by A.
Protein change: p.Pro157His; replaces proline 157 with histidine.
Molecular consequence: missense variant. On other transcripts: intron variant (1).
Genome position (GRCh38, 1-based): chr16:46,747,724, G>T on the plus strand (C>A on the coding strand, the complement: MYLK3 is on the minus strand). VCF-style: chr16-46747724-G-T. GRCh37 (hg19) VCF-style: chr16-46781636-G-T.
Other names: c.-113-7577C>A (NM_001308301.1); short protein forms P157H.
Identifiers: ClinVar variation 3682129 (VCV003682129.2).

ClinVar aggregate classification (germline): Uncertain significance (1 of 4 stars; one submission).

Submission:

Labcorp Genetics (formerly Invitae), Labcorp
Classification: Uncertain significance. Last evaluated: 2024-04-26. Review status: criteria provided, single submitter. Criteria: Invitae Variant Classification Sherloc (09022015). Collection method: clinical testing. Allele origin: germline.
Comment: This sequence change replaces proline, which is neutral and non-polar, with histidine, which is basic and polar, at codon 157 of the MYLK3 protein (p.Pro157His). This variant is not present in population databases (gnomAD no frequency). This variant has not been reported in the literature in individuals affected with MYLK3-related conditions. An algorithm developed to predict the effect of missense changes on protein structure and function (PolyPhen-2) suggests that this variant is likely to be tolerated. In summary, the available evidence is currently insufficient to determine the role of this variant in disease. Therefore, it has been classified as a Variant of Uncertain Significance.